The following is an entry in ClinVar:

ClinVar aggregate classification (germline): Uncertain significance. Review status: criteria provided, multiple submitters, no conflicts (2 of 4 stars). 2 submissions from 2 submitters: Uncertain significance (2). Last evaluated 2024-10-08.

Conditions:
Inborn genetic diseases. Identifiers: MedGen C0950123, MeSH D030342.
2-aminoadipic 2-oxoadipic aciduria (AAKAD). Also called: Aminoadipic aciduria; ALPHA-AMINOADIPIC AND ALPHA-KETOADIPIC ACIDURIA. Identifiers: Orphanet 79154, MedGen C1859817, MONDO:0008774, OMIM 204750.

Allele frequency attached by ClinVar (database versions not stated): gnomAD exomes 0.00002; ExAC 0.00006; gnomAD 0.00008 and 0.00009; TOPMed 0.00014; ESP Exome Variant Server 0.00015; 1000 Genomes Project 30x 0.00047; 1000 Genomes Project 0.00060.

Submissions (2):

Ambry Genetics
Classification: Uncertain significance for Inborn genetic diseases. Last evaluated: 2024-10-08. Review status: criteria provided, single submitter. Criteria: Ambry Variant Classification Scheme 2023. Collection method: clinical testing. Allele origin: germline.

Labcorp Genetics (formerly Invitae), Labcorp
Classification: Uncertain significance for 2-aminoadipic 2-oxoadipic aciduria. Last evaluated: 2024-06-09. Review status: criteria provided, single submitter. Criteria: Invitae Variant Classification Sherloc (09022015). Collection method: clinical testing. Allele origin: germline.
Comment: This sequence change replaces arginine, which is basic and polar, with cysteine, which is neutral and slightly polar, at codon 308 of the DHTKD1 protein (p.Arg308Cys). This variant is present in population databases (rs377213027, gnomAD 0.03%). This variant has not been reported in the literature in individuals affected with DHTKD1-related conditions. ClinVar contains an entry for this variant (Variation ID: 1429528). Advanced modeling of protein sequence and biophysical properties (such as structural, functional, and spatial information, amino acid conservation, physicochemical variation, residue mobility, and thermodynamic stability) performed at Invitae indicates that this missense variant is not expected to disrupt DHTKD1 protein function with a negative predictive value of 80%. In summary, the available evidence is currently insufficient to determine the role of this variant in disease. Therefore, it has been classified as a Variant of Uncertain Significance.

NM_018706.7(DHTKD1):c.922C>T (p.Arg308Cys)

Gene: DHTKD1 (dehydrogenase E1 and transketolase domain containing 1; plus strand). Cytogenetic location: 10p14.
Variant type: single nucleotide variant.
Coding change: c.922C>T on transcript NM_018706.7 (MANE Select); coding-DNA position 922, C replaced by T.
Protein change: p.Arg308Cys; replaces arginine 308 with cysteine.
Molecular consequence: missense variant.
Genome position (GRCh38, 1-based): chr10:12,089,190, C>T. VCF-style: chr10-12089190-C-T. GRCh37 (hg19) VCF-style: chr10-12131189-C-T.
Other names: c.922C>T (NM_018706.5); short protein forms R308C.
Identifiers: ClinVar variation 1429528 (VCV001429528.9), dbSNP rs377213027, ClinGen allele CA5407682.